The following is an entry in ClinVar:

ClinVar aggregate classification (germline): Conflicting classifications of pathogenicity. Review status: criteria provided, conflicting classifications (1 of 4 stars). 5 submissions from 5 submitters: Pathogenic (1); Likely pathogenic (2); Uncertain significance (2). Last evaluated 2023-05-13.

Conditions:
Ehlers-Danlos syndrome, classic type, 1 (EDSCL1). Also called: Ehlers-Danlos Syndrome, Classic Type, COL5A1-Related; Ehlers-Danlos syndrome, type 1; EDS I; EHLERS-DANLOS SYNDROME, GRAVIS TYPE; EHLERS-DANLOS SYNDROME, SEVERE CLASSIC TYPE. Identifiers: MedGen C0268335, MONDO:0019567, OMIM 130000.
COL5A2-related disorders.
Ehlers-Danlos syndrome, classic type, 2 (EDSCL2). Also called: Ehlers-Danlos Syndrome, Classic Type, COL5A2-Related; Ehlers-Danlos syndrome, type 2; Ehlers-Danlos syndrome type 2 (formerly). Identifiers: Orphanet 287, Orphanet 90318, MedGen C0268336, MONDO:0019568, OMIM 130010.

Submissions (5):

Labcorp Genetics (formerly Invitae), Labcorp
Classification: Uncertain significance for Ehlers-Danlos syndrome, classic type, 1. Last evaluated: 2023-05-13. Review status: criteria provided, single submitter. Criteria: Invitae Variant Classification Sherloc (09022015). Collection method: clinical testing. Allele origin: germline.
Comment: In summary, the available evidence is currently insufficient to determine the role of this variant in disease. Therefore, it has been classified as a Variant of Uncertain Significance. Variants that disrupt the consensus splice site are a relatively common cause of aberrant splicing (PMID: 17576681, 9536098). Algorithms developed to predict the effect of sequence changes on RNA splicing suggest that this variant may disrupt the consensus splice site. ClinVar contains an entry for this variant (Variation ID: 546102). This variant has been observed in individual(s) with Ehlers-Danlos syndrome, congenital scoliosis (PMID: 22696272, 32381727). This variant is not present in population databases (gnomAD no frequency). This sequence change affects codon 467 of the COL5A2 mRNA. It is a 'silent' change, meaning that it does not change the encoded amino acid sequence of the COL5A2 protein. This variant also falls at the last nucleotide of exon 21, which is part of the consensus splice site for this exon.

Greenwood Genetic Center Diagnostic Laboratories, Greenwood Genetic Center
Classification: Uncertain significance. Last evaluated: 2023-04-27. Review status: criteria provided, single submitter. Criteria: ACMG Guidelines, 2015. Collection method: clinical testing. Allele origin: germline. Affected: yes.
Comment: PM2, PS4_supporting, PP3

Victorian Clinical Genetics Services, Murdoch Childrens Research Institute
Classification: Pathogenic for Ehlers-Danlos syndrome, classic type, 2. Last evaluated: 2021-05-06. Review status: criteria provided, single submitter. Criteria: ACMG Guidelines, 2015. Collection method: clinical testing. Allele origin: germline. Inheritance: Autosomal dominant inheritance. Affected: yes.
Comment: Based on the classification scheme VCGS_Germline_v1.3.4, this variant is classified as Pathogenic. Following criteria are met: 0104 - Dominant negative is a known mechanism of disease in this gene and is associated with Ehlers-Danlos syndrome, classic type, 2 (EDS) (MIM#130010) (PMID: 23587214). (I) 0107 - This gene is associated with autosomal dominant disease. (I) 0210 - Splice site variant proven to affect splicing of the transcript with a known effect on protein sequence. Sequencing of cDNA obtained from an EDS patient has proven skipping of exon 21, leading to an in-frame deletion (PMID: 22696272). (SP) 0251 - This variant is heterozygous. (I) 0301 - Variant is absent from gnomAD (both v2 and v3). (SP) 0505 - Abnormal splicing is predicted by in silico tools and affected nucleotide is highly conserved. (SP) 0601 - Variant affects the well-established functional G-X-Y triple helix (UCSC, PMID: 22696272). (SP) 0705 - No comparable splice site variants have previous evidence for pathogenicity. (I) 0803 - This variant has limited previous evidence of pathogenicity in unrelated individuals. It has been reported in an EDS patient and classified as likely pathogenic by a diagnostic laboratory in ClinVar (PMID: 22696272). (SP) 0905 - No published segregation evidence has been identified for this variant. (I) 1007 - No published functional evidence has been identified for this variant. (I) 1208 - Inheritance information for this variant is not currently available in this individual. (I) Legend: (SP) - Supporting pathogenic, (I) - Information, (SB) - Supporting benign

GeneDx
Classification: Likely pathogenic. Last evaluated: 2018-05-30. Review status: criteria provided, single submitter. Criteria: GeneDx Variant Classification (06012015). Collection method: clinical testing. Allele origin: germline. Affected: yes.
Comment: The c.1401 G>A variant has been previously reported in an individual with classic Ehlers-Danlos syndrome (Symoens et al., 2012). published as a pathogenic variant, nor has it been reported as a benign variant to our knowledge. The c.1401 G>A variant is not observed in large population cohorts (Lek et al., 2016). Several in silico splice prediction models predict that c.1401 G>A may destroy the natural donor site and lead to abnormal gene splicing. Analysis of cDNA demonstrated that the c.1401 G>A variant results in an in-frame deletion of exon 21 (Symoens et al., 2012). Therefore, this variant is likely pathogenic; however, the possibility that it is benign cannot be excluded.

Blueprint Genetics
Classification: Likely pathogenic for COL5A2-related disorders. Last evaluated: 2017-10-12. Review status: criteria provided, single submitter. Criteria: ACMG Guidelines, 2015. Collection method: clinical testing. Allele origin: germline. Affected: yes. Observed: 1 variant allele.

Literature cited by the submitters: PubMed 17576681 (cited by Labcorp Genetics (formerly Invitae), Labcorp); PubMed 9536098 (cited by Labcorp Genetics (formerly Invitae), Labcorp); PubMed 22696272 (cited by Labcorp Genetics (formerly Invitae), Labcorp and Victorian Clinical Genetics Services, Murdoch Childrens Research Institute); PubMed 32381727 (cited by Labcorp Genetics (formerly Invitae), Labcorp); PubMed 23587214 (cited by Victorian Clinical Genetics Services, Murdoch Childrens Research Institute).

NM_000393.5(COL5A2):c.1401G>A (p.Pro467=)

Gene: COL5A2 (collagen type V alpha 2 chain; minus strand). Cytogenetic location: 2q32.2.
Variant type: single nucleotide variant.
Coding change: c.1401G>A on transcript NM_000393.5 (MANE Select); coding-DNA position 1401, G replaced by A.
Protein change: p.Pro467=; no amino-acid change (proline 467 retained).
Molecular consequence: synonymous variant.
Genome position (GRCh38, 1-based): chr2:189,068,015, C>T on the plus strand (G>A on the coding strand, the complement: COL5A2 is on the minus strand). VCF-style: chr2-189068015-C-T. GRCh37 (hg19) VCF-style: chr2-189932741-C-T.
Identifiers: ClinVar variation 546102 (VCV000546102.8), dbSNP rs1553515794, ClinGen allele CA430303527.